The following is an entry in ClinVar:

ClinVar aggregate classification (germline): Uncertain significance (1 of 4 stars; one submission).

Conditions:
Cystic fibrosis (CF). Also called: MUCOVISCIDOSIS. Identifiers: Orphanet 586, MedGen C0010674, MONDO:0009061, OMIM 219700. Disease mechanism: loss of function.

Submission:

Ambry Genetics
Classification: Uncertain significance for Cystic fibrosis. Last evaluated: 2025-04-07. Review status: criteria provided, single submitter. Criteria: Ambry Variant Classification Scheme 2023. Collection method: clinical testing. Allele origin: germline.
Comment: The p.S1359Y variant (also known as c.4076C>A), located in coding exon 25 of the CFTR gene, results from a C to A substitution at nucleotide position 4076. The serine at codon 1359 is replaced by tyrosine, an amino acid with dissimilar properties. This amino acid position is conserved. In addition, this alteration is predicted to be deleterious by in silico analysis. Since supporting evidence is limited at this time, the clinical significance of this alteration remains unclear.

NM_000492.4(CFTR):c.4076C>A (p.Ser1359Tyr)

Gene: CFTR (CF transmembrane conductance regulator; plus strand). Cytogenetic location: 7q31.2.
Variant type: single nucleotide variant.
Coding change: c.4076C>A on transcript NM_000492.4 (MANE Select); coding-DNA position 4076, C replaced by A.
Protein change: p.Ser1359Tyr; replaces serine 1359 with tyrosine.
Molecular consequence: missense variant.
Genome position (GRCh38, 1-based): chr7:117,664,800, C>A. VCF-style: chr7-117664800-C-A. GRCh37 (hg19) VCF-style: chr7-117304854-C-A.
Other names: short protein forms S1359Y.
Identifiers: ClinVar variation 2447430 (VCV002447430.3), dbSNP rs1429889418, ClinGen allele CA368982697.